The following is an entry in ClinVar:

NM_015378.4(VPS13D):c.2643C>T (p.Asp881=)

Gene: VPS13D (vacuolar protein sorting 13 homolog D; plus strand). Cytogenetic location: 1p36.22.
Variant type: single nucleotide variant.
Coding change: c.2643C>T on transcript NM_015378.4 (MANE Select); coding-DNA position 2643, C replaced by T.
Protein change: p.Asp881=; no amino-acid change (aspartic acid 881 retained).
Molecular consequence: synonymous variant.
Genome position (GRCh38, 1-based): chr1:12,276,231, C>T. VCF-style: chr1-12276231-C-T. GRCh37 (hg19) VCF-style: chr1-12336288-C-T.
Other names: c.2643C>T, p.Asp881= (NM_018156.4); c.2643C>T (NM_015378.3).
Identifiers: ClinVar variation 1537969 (VCV001537969.10), dbSNP rs200526193, ClinGen allele CA601848.
Genomic context (GRCh38, chr1:12,276,231, plus strand): 5'-ATTGATTTATACTTCAGATCCCAAATATCCAGGAGCCGTGCTCTCAGGCAACTTACCAGA[C>T]TTAAAAATCCACATTAATGAAGATAAAATATCTGCACTAAAGAATTGCTTTGCTCTCCTC-3'
Protein context (NP_056193.2, residues 871-891): PGAVLSGNLP[Asp881=]LKIHINEDKI

ClinVar aggregate classification (germline): Likely benign. Review status: criteria provided, single submitter (1 of 4 stars). 2 submissions from 2 submitters: Likely benign (1). 1 of the submissions does not count toward it. Last evaluated 2022-07-02.

Conditions:
VPS13D-related disorder. Also called: VPS13D-related condition.

Allele frequency attached by ClinVar (database versions not stated): gnomAD 0.00001 and 0.00002; ExAC 0.00002; gnomAD exomes 0.00002 and 0.00003; TOPMed 0.00002; 1000 Genomes Project 30x 0.00016; 1000 Genomes Project 0.00020.
gnomAD v4.1: 40 of 1,613,952 alleles (0.0025%); highest among the groups gnomAD compares: Admixed American, 0.01%; no homozygotes.

Submissions (2):

Labcorp Genetics (formerly Invitae), Labcorp
Classification: Likely benign. Last evaluated: 2022-07-02. Review status: criteria provided, single submitter. Criteria: Invitae Variant Classification Sherloc (09022015). Collection method: clinical testing. Allele origin: germline.

PreventionGenetics, part of Exact Sciences
Classification: Likely benign for VPS13D-related condition. Last evaluated: 2019-05-01. Review status: no assertion criteria provided. Collection method: clinical testing. Allele origin: germline. Not counted in ClinVar's aggregate classification.
Comment: This variant is classified as likely benign based on ACMG/AMP sequence variant interpretation guidelines (Richards et al. 2015 PMID: 25741868, with internal and published modifications).